The following is an entry in ClinVar:

ClinVar aggregate classification (germline): Benign. Review status: criteria provided, multiple submitters, no conflicts (2 of 4 stars). 4 submissions from 4 submitters: Benign (3). 1 of the submissions does not count toward it. Last evaluated 2018-02-20.

Conditions:
Inborn genetic diseases. Identifiers: MedGen C0950123, MeSH D030342.
FTSJ1-related disorder. Also called: FTSJ1-related condition.

Allele frequency attached by ClinVar (database versions not stated): gnomAD exomes 0.00045 and 0.00018; gnomAD 0.00184 and 0.00201; ESP Exome Variant Server 0.00161; TOPMed 0.00220; 1000 Genomes Project 30x 0.00271; ExAC 0.00055; 1000 Genomes Project 0.00238.

Submissions (4):

Labcorp Genetics (formerly Invitae), Labcorp
Classification: Benign. Last evaluated: 2018-02-20. Review status: criteria provided, single submitter. Criteria: Invitae Variant Classification Sherloc (09022015). Collection method: clinical testing. Allele origin: germline.

Ambry Genetics
Classification: Benign for Inborn genetic diseases. Last evaluated: 2017-06-29. Review status: criteria provided, single submitter. Criteria: Ambry Variant Classification Scheme 2023. Collection method: clinical testing. Allele origin: germline.

Breakthrough Genomics
Classification: Benign. Review status: criteria provided, single submitter. Criteria: ACMG Guidelines, 2015. Collection method: not provided. Allele origin: germline. Inheritance: X-linked inheritance. Affected: yes.

PreventionGenetics, part of Exact Sciences
Classification: Benign for FTSJ1-related condition. Last evaluated: 2019-12-03. Review status: no assertion criteria provided. Collection method: clinical testing. Allele origin: germline. Not counted in ClinVar's aggregate classification.
Comment: This variant is classified as benign based on ACMG/AMP sequence variant interpretation guidelines (Richards et al. 2015 PMID: 25741868, with internal and published modifications).

NM_012280.4(FTSJ1):c.304A>T (p.Ile102Phe)

Gene: FTSJ1 (FtsJ RNA 2'-O-methyltransferase 1; plus strand). Cytogenetic location: Xp11.23.
Variant type: single nucleotide variant.
Coding change: c.304A>T on transcript NM_012280.4 (MANE Select); coding-DNA position 304, A replaced by T.
Protein change: p.Ile102Phe; replaces isoleucine 102 with phenylalanine.
Molecular consequence: missense variant.
Genome position (GRCh38, 1-based): chrX:48,479,059, A>T. VCF-style: chrX-48479059-A-T. GRCh37 (hg19) VCF-style: chrX-48337447-A-T.
Other names: c.-55A>T (NM_001282157.2); c.304A>T, p.Ile102Phe (NM_177439.3); short protein forms I102F.
Identifiers: ClinVar variation 726960 (VCV000726960.8), dbSNP rs75296308, ClinGen allele CA10402527.